The following is an entry in ClinVar:

ClinVar aggregate classification (germline): Pathogenic (1 of 4 stars; one submission).

Conditions:
Carnitine palmitoyl transferase 1A deficiency. Also called: CPT deficiency, hepatic, type IA; Carnitine palmitoyltransferase type I deficiency; CPT I DEFICIENCY; CPT DEFICIENCY, HEPATIC, TYPE I; Carnitine palmitoyltransferase 1A deficiency. Identifiers: Orphanet 156, MedGen C1829703, MONDO:0009705, OMIM 255120.

Submission:

Myriad Genetics, Inc.
Classification: Pathogenic for Carnitine palmitoyl transferase 1A deficiency. Last evaluated: 2024-12-31. Review status: criteria provided, single submitter. Criteria: Myriad Autosomal Dominant, Autosomal Recessive and X-Linked Classification Criteria (2023). Collection method: clinical testing. Allele origin: unknown.
Comment: NM_001876.3(CPT1A):c.956delG(G319Efs*10) is expected to be pathogenic in the context of carnitine palmitoyltransferase IA deficiency. This variant is predicted to lead to an abnormal or absent protein product due to the creation of a premature termination codon in CPT1A, a gene where loss-of-function variants are known to be pathogenic. Please note: this variant was assessed in the context of healthy population screening.

NM_001876.4(CPT1A):c.956del (p.Gly319fs)

Gene: CPT1A (carnitine palmitoyltransferase 1A; minus strand). Cytogenetic location: 11q13.3.
Variant type: Deletion.
Coding change: c.956del on transcript NM_001876.4 (MANE Select); coding-DNA position 956, one base deleted (G; older notation c.956delG).
Protein change: p.Gly319fs; shifts the reading frame from glycine 319.
Molecular consequence: frameshift variant.
Genome position (GRCh38, 1-based): chr11:68,793,326, C deleted on the plus strand (G on the coding strand, the reverse complement: CPT1A is on the minus strand); the first of 2 consecutive C bases (chr11:68,793,326-68,793,327); deleting either gives the same sequence. VCF-style (leftmost placement, unchanged base first): chr11-68793325-TC-T. GRCh37 (hg19) VCF-style: chr11-68560793-TC-T.
Other names: c.956del, p.Gly319fs (NM_001031847.3, NM_001440358.1, NM_001440359.1 and 4 more transcripts); c.848del, p.Gly283fs (NM_001440363.1); c.770del, p.Gly257fs (NM_001440365.1); short protein forms G257fs, G283fs, G319fs.
Identifiers: ClinVar variation 5013903 (VCV005013903.1).